The following is an entry in ClinVar:

NM_032043.3(BRIP1):c.1151del (p.Asn384fs)

Gene: BRIP1 (BRCA1 interacting DNA helicase 1; minus strand). Cytogenetic location: 17q23.2.
Variant type: Deletion.
Coding change: c.1151del on transcript NM_032043.3 (MANE Select); coding-DNA position 1151, one base deleted (A; older notation c.1151delA).
Protein change: p.Asn384fs; shifts the reading frame from asparagine 384.
Molecular consequence: frameshift variant.
Genome position (GRCh38, 1-based): chr17:61,799,289, T deleted on the plus strand (A on the coding strand, the reverse complement: BRIP1 is on the minus strand); the first of 3 consecutive T bases (chr17:61,799,289-61,799,291); deleting any one gives the same sequence. VCF-style (leftmost placement, unchanged base first): chr17-61799288-AT-A. GRCh37 (hg19) VCF-style: chr17-59876649-AT-A.
Other names: short protein forms N384fs.
Identifiers: ClinVar variation 5042198 (VCV005042198.1).

ClinVar aggregate classification (germline): Pathogenic (1 of 4 stars; one submission).

Conditions:
Familial ovarian cancer. Identifiers: MedGen C5679802, MONDO:0016248.

Submission:

Myriad Genetics, Inc.
Classification: Pathogenic for Familial ovarian cancer. Last evaluated: 2026-07-02. Review status: criteria provided, single submitter. Criteria: Myriad Autosomal Dominant, Autosomal Recessive and X-Linked Classification Criteria (2023). Collection method: clinical testing. Allele origin: unknown.
Comment: This variant is considered pathogenic. This variant creates a frameshift predicted to result in premature protein truncation.